The following is an entry in ClinVar:

ClinVar aggregate classification (germline): Uncertain significance (1 of 4 stars; one submission).

Submission:

Labcorp Genetics (formerly Invitae), Labcorp
Classification: Uncertain significance. Last evaluated: 2023-09-27. Review status: criteria provided, single submitter. Criteria: Invitae Variant Classification Sherloc (09022015). Collection method: clinical testing. Allele origin: germline.
Comment: This variant is not present in population databases (gnomAD no frequency). This sequence change replaces alanine, which is neutral and non-polar, with glutamic acid, which is acidic and polar, at codon 9 of the TUBB2B protein (p.Ala9Glu). This variant has not been reported in the literature in individuals affected with TUBB2B-related conditions. Advanced modeling of protein sequence and biophysical properties (such as structural, functional, and spatial information, amino acid conservation, physicochemical variation, residue mobility, and thermodynamic stability) performed at Invitae indicates that this missense variant is expected to disrupt TUBB2B protein function. In summary, the available evidence is currently insufficient to determine the role of this variant in disease. Therefore, it has been classified as a Variant of Uncertain Significance.

NM_178012.5(TUBB2B):c.26C>A (p.Ala9Glu)

Gene: TUBB2B (tubulin beta 2B class IIb; minus strand). Cytogenetic location: 6p25.2.
Variant type: single nucleotide variant.
Coding change: c.26C>A on transcript NM_178012.5 (MANE Select); coding-DNA position 26, C replaced by A.
Protein change: p.Ala9Glu; replaces alanine 9 with glutamic acid.
Molecular consequence: missense variant.
Genome position (GRCh38, 1-based): chr6:3,227,518, G>T on the plus strand (C>A on the coding strand, the complement: TUBB2B is on the minus strand). VCF-style: chr6-3227518-G-T. GRCh37 (hg19) VCF-style: chr6-3227752-G-T.
Other names: short protein forms A9E.
Identifiers: ClinVar variation 2763694 (VCV002763694.3), dbSNP rs2533621468, ClinGen allele CA362590399.